The following is an entry in ClinVar:

ClinVar aggregate classification (germline): Uncertain significance (1 of 4 stars; one submission).

Submission:

GeneDx
Classification: Uncertain significance. Last evaluated: 2023-05-09. Review status: criteria provided, single submitter. Criteria: GeneDx Variant Classification Process June 2021. Collection method: clinical testing. Allele origin: germline. Affected: yes.
Comment: Not observed at significant frequency in large population cohorts (gnomAD); In silico analysis supports that this missense variant has a deleterious effect on protein structure/function; Has not been previously published as pathogenic or benign to our knowledge

NM_001145358.2(SIN3A):c.2369C>T (p.Ala790Val)

Gene: SIN3A (SIN3 transcription regulator family member A; minus strand). Cytogenetic location: 15q24.2.
Variant type: single nucleotide variant.
Coding change: c.2369C>T on transcript NM_001145358.2 (MANE Select); coding-DNA position 2369, C replaced by T.
Protein change: p.Ala790Val; replaces alanine 790 with valine.
Molecular consequence: missense variant.
Genome position (GRCh38, 1-based): chr15:75,392,724, G>A on the plus strand (C>T on the coding strand, the complement: SIN3A is on the minus strand). VCF-style: chr15-75392724-G-A. GRCh37 (hg19) VCF-style: chr15-75685065-G-A.
Other names: c.2369C>T, p.Ala790Val (NM_001145357.2, NM_015477.3); short protein forms A790V.
Identifiers: ClinVar variation 2662271 (VCV002662271.1), dbSNP rs2543076949, ClinGen allele CA393492082.
Genomic context (GRCh38, chr15:75,392,724, plus strand): 5'-TATTTGTCCTCCTTCTGAATGCCTGTCTGCCTCTTCACATGGTGGATAATCAGAGCAGCA[G>A]CATCTTCCAGTATTTGTTTGTCTTCATACGCAAGTGAGAGGTGTGGGCCAACAGGTACAC-3'
Protein context (NP_001138830.1, residues 780-800): AYEDKQILED[Ala790Val]AALIIHHVKR